The following is an entry in ClinVar:

NM_001177693.2(ARHGEF28):c.2119T>C (p.Tyr707His)

Gene: ARHGEF28 (Rho guanine nucleotide exchange factor 28; plus strand). Cytogenetic location: 5q13.2.
Variant type: single nucleotide variant.
Coding change: c.2119T>C on transcript NM_001177693.2 (MANE Select); coding-DNA position 2119, T replaced by C.
Protein change: p.Tyr707His; replaces tyrosine 707 with histidine.
Molecular consequence: missense variant.
Genome position (GRCh38, 1-based): chr5:73,865,980, T>C. VCF-style: chr5-73865980-T-C. GRCh37 (hg19) VCF-style: chr5-73161805-T-C.
Other names: c.2119T>C, p.Tyr707His (NM_001080479.3, NM_001388078.1); c.1180T>C, p.Tyr394His (NM_001244364.2); c.1825T>C, p.Tyr609His (NM_001388076.1); short protein forms Y394H, Y609H, Y707H.
Identifiers: ClinVar variation 3358214 (VCV003358214.1).

ClinVar aggregate classification (germline): Uncertain significance (0 of 4 stars; one submission).

Conditions:
ARHGEF28-related disorder. Also called: ARHGEF28-related condition.

gnomAD v4.1: 9 of 1,602,318 alleles (0.00056%); highest among the groups gnomAD compares: Admixed American, 0.0052%; no homozygotes.

Submission:

PreventionGenetics, part of Exact Sciences
Classification: Uncertain significance for ARHGEF28-related condition. Last evaluated: 2024-03-11. Review status: no assertion criteria provided. Collection method: clinical testing. Allele origin: germline.
Comment: The ARHGEF28 c.2119T>C variant is predicted to result in the amino acid substitution p.Tyr707His. To our knowledge, this variant has not been reported in the literature. This variant is reported in 0.0093% of alleles in individuals of Latino descent in gnomAD. At this time, the clinical significance of this variant is uncertain due to the absence of conclusive functional and genetic evidence.